The following is an entry in ClinVar:

NM_001367479.1(DNAH14):c.5197-10T>C

Gene: DNAH14 (dynein axonemal heavy chain 14; plus strand). Cytogenetic location: 1q42.12.
Variant type: single nucleotide variant.
Coding change: c.5197-10T>C on transcript NM_001367479.1 (MANE Select); 10 bases into the intron before coding-DNA position 5197, T replaced by C.
Molecular consequence: intron variant.
Genome position (GRCh38, 1-based): chr1:225,153,740, T>C. VCF-style: chr1-225153740-T-C. GRCh37 (hg19) VCF-style: chr1-225341442-T-C.
Identifiers: ClinVar variation 4880071 (VCV004880071.1).

ClinVar aggregate classification (germline): Uncertain significance (1 of 4 stars; one submission).

Conditions:
Primary ciliary dyskinesia. Also called: Ciliary dyskinesia. Identifiers: Orphanet 244, MedGen C0008780, MONDO:0016575, HP:0012265.

gnomAD v4.1: 6,919 of 1,521,082 alleles (0.45%); highest among the groups gnomAD compares: Non-Finnish European, 0.58%; 26 homozygotes.

Submission:

Department of Human Genetics, Hannover Medical School
Classification: Uncertain significance for Primary Ciliary Dyskinesia. Last evaluated: 2026-04-01. Review status: criteria provided, single submitter. Criteria: ACMG Guidelines, 2015. Collection method: research. Allele origin: germline. Affected: no.
Comment: Classification performed by HerediClassify using the following criteria:['PM2_supporting: Variant occures does not occur as homozygous in gnomAD.', 'PP3_splicing_supporting: Variant is predicted to have a splice effect by SpliceAI with evidence strength supporting.', "PP4_moderate: The modified PICADAR socre of 4.0 exceeds threshold of 3 achieving 'moderate' evidence strength."]